The following is an entry in ClinVar:

NM_000287.4(PEX6):c.1802G>A (p.Arg601Gln)

Gene: PEX6 (peroxisomal biogenesis factor 6; minus strand). Cytogenetic location: 6p21.1.
Variant type: single nucleotide variant.
Coding change: c.1802G>A on transcript NM_000287.4 (MANE Select); coding-DNA position 1802, G replaced by A.
Protein change: p.Arg601Gln; replaces arginine 601 with glutamine.
Molecular consequence: missense variant. On other transcripts: non-coding transcript variant (1).
Genome position (GRCh38, 1-based): chr6:42,967,450, C>T on the plus strand (G>A on the coding strand, the complement: PEX6 is on the minus strand). VCF-style: chr6-42967450-C-T. GRCh37 (hg19) VCF-style: chr6-42935188-C-T.
Other names: c.1538G>A (NM_001316313.1); c.1538G>A, p.Arg513Gln (NM_001316313.2); short protein forms R601Q, R513Q.
Identifiers: ClinVar variation 198709 (VCV000198709.100), dbSNP rs34324426, ClinGen allele CA210643.

ClinVar aggregate classification (germline): Conflicting classifications of pathogenicity. Review status: criteria provided, conflicting classifications (1 of 4 stars). 34 submissions from 33 submitters: Pathogenic (7); Likely pathogenic (13); Uncertain significance (10). 4 of the submissions do not count toward it. Last evaluated 2026-09-01.

Conditions:
PEX6-related disorder. Also called: PEX6-related condition; PEX6-related disorders.
Peroxisome biogenesis disorder 4A (Zellweger) (PBD4A). Also called: Zellweger syndrome spectrum (PEX6-related). Identifiers: Orphanet 912, MedGen C3553936, MONDO:0013930, OMIM 614862. Disease mechanism: loss of function.
Peroxisome biogenesis disorder 4B (PBD4B). Also called: SPINOCEREBELLAR ATAXIA WITH BLINDNESS AND DEAFNESS 1. Identifiers: Orphanet 44, Orphanet 95433, MedGen C3553937, MONDO:0013931, OMIM 614863.
Heimler syndrome 2 (HMLR2). Also called: PEROXISOME BIOGENESIS DISORDER 4C. Identifiers: Orphanet 3220, MedGen C4225267, OMIM 616617, MONDO:0014709.
Zellweger spectrum disorders (ZS). Also called: Zellweger Spectrum Disorder; Zellweger Spectrum; Zellweger syndrome; Zellweger Spectrum Disorder (ZSD). Identifiers: Orphanet 912, MedGen C0043459, MONDO:0019609.
Prelingual sensorineural hearing impairment. Identifiers: MedGen C4021806, HP:0000399.
Inborn genetic diseases. Identifiers: MedGen C0950123, MeSH D030342.
Peroxisome biogenesis disorder. Identifiers: Orphanet 79189, MedGen C1832200, MONDO:0019234. Disease mechanism: loss of function.
Retinal disorder. Also called: Retinopathies; Retinal Diseases; Retinal disorders; Retinopathy. Identifiers: MedGen C0035309, MONDO:0005283, HP:0000488.

Allele frequency attached by ClinVar (database versions not stated): 1000 Genomes Project 30x 0.00094; 1000 Genomes Project 0.00100; TOPMed 0.00225; gnomAD exomes 0.00275 and 0.00314; gnomAD 0.00283 and 0.00294; ExAC 0.00319; ESP Exome Variant Server 0.00323.
gnomAD v4.1: 4,982 of 1,612,580 alleles (0.31%); highest among the groups gnomAD compares: Non-Finnish European, 0.37%; 17 homozygotes.

Submissions 1 to 9 of 34:

CeGaT Center for Human Genetics Tuebingen
Classification: Pathogenic. Last evaluated: 2026-09-01. Review status: criteria provided, single submitter. Criteria: CeGaT Center For Human Genetics Tuebingen Variant Classification Criteria Version 2. Collection method: clinical testing. Allele origin: germline. Affected: yes. Observed: 16 variant alleles.
Comment: PEX6: PM3:Very Strong, PM5, PM2:Supporting

Genetics Laboratory, Great Ormond Street Hospital NHS Foundation Trust, North Thames Genomic Laboratory Hub
Classification: Uncertain significance for Retinal disorders. Last evaluated: 2026-08-05. Review status: criteria provided, single submitter. Criteria: ACGS Best Practice Guidelines for Variant Classification in Rare Disease 2024 v1.2. Collection method: clinical testing. Allele origin: germline. Affected: yes.
Comment: PP3_supporting, PM5_moderate, PS3_supporting

GeneDx
Classification: Likely pathogenic. Last evaluated: 2026-07-30. Review status: criteria provided, single submitter. Criteria: GeneDx Variant Classification Process June 2021. Collection method: clinical testing. Allele origin: germline.
Comment: Described as a hypomorphic variant and has been associated with a mild presentation (PMID: 26387595, 27302843, 29676688); In silico analysis supports that this missense variant has a deleterious effect on protein structure/function; This variant is associated with the following publications: (PMID: 31216405, 26387595, 33776059, 25079577, 31374812, 30409984, 33416279, 34313030, 34426522, 19877282, 30675382, 27848944, 36785559, 40725402, 36703223, 38036193, 39488673, 27302843, 29676688, 19105186, 26943801, 38956727, 31831025, 39821477, 41188291, 40610573, 16530715, 41126390, 34234304, 31884617, 42233699, 30476936)

PreventionGenetics, part of Exact Sciences
Classification: Uncertain significance for PEX6-related condition. Last evaluated: 2026-07-27. Review status: criteria provided, single submitter. Criteria: ACMG Guidelines, 2015. Collection method: clinical testing. Allele origin: germline.
Comment: The PEX6 c.1802G>A variant is predicted to result in the amino acid substitution p.Arg601Gln. This variant has been reported in patients with peroxisome biogenesis disorders and has been reported to be associated with a milder phenotype (Ebberink et al. 2010. PubMed ID: 19877282; Yik et al. 2009. PubMed ID: 19105186; Ratbi et al. 2015. PubMed ID: 26387595; Wangtiraumnuay et al. 2018; PubMed ID: 29676688). However, this variant has also been reported in a large population database at allele frequencies of up to ~0.47%, including 7 homozygous individuals. In ClinVar, this variant has variable classifications ranging from pathogenic to uncertain (Variation ID: 198709). At this time, the clinical significance of this variant is uncertain due to the absence of conclusive functional and genetic evidence.

Laboratory of Molecular, Cellular and Translation Genetics in Otolaryngology/ Lim32-hcfmusp, University of Sao Paulo School of Medicine Clinics Hospital
Classification: Uncertain significance for Prelingual sensorineural hearing impairment. Last evaluated: 2026-04-30. Review status: criteria provided, single submitter. Criteria: ACMG Guidelines, 2015. Collection method: research. Allele origin: germline. Affected: yes.
Comment: NM_000287.4:c.1802G>A:p.(Arg601Gln). This variant has been classified as a variant of uncertain significance (VUS). It is rare in population databases (PM2_supporting), and in silico prediction tools support a deleterious effect on protein function (PP3). It has been repeatedly reported in trans with other pathogenic PEX6 variants (PM3_strong). However, the available evidence is insufficient to establish a causal role for these variants in the observed phenotype.

Natera, Inc.
Classification: Likely pathogenic for Zellweger syndrome. Last evaluated: 2026-03-24. Review status: criteria provided, single submitter. Criteria: Natera Variant Classification Schema (03/2026). Collection method: clinical testing. Allele origin: germline.
Comment: The c.1802G>A variant in PEX6 is a missense variant predicted to cause substitution of arginine to glutamine at amino acid 601. This variant impairs but does not entirely destroy the function of the gene product, and thus may not cause disease when observed in homozygous dosage. This variant may cause an atypical or late‐onset peroxisomal disorder when found in trans (on opposite chromosomes) with a severe pathogenic variant. Homozygotes are not expected to be affected (PMID:30846882). Given the available evidence, this variant is classified as Likely Pathogenic.

Ambry Genetics
Classification: Pathogenic for Inborn genetic diseases. Last evaluated: 2026-02-17. Review status: criteria provided, single submitter. Criteria: Ambry Variant Classification Scheme 2023. Collection method: clinical testing. Allele origin: germline.
Comment: The c.1802G>A (p.R601Q) alteration is located in exon 8 (coding exon 8) of the PEX6 gene. This alteration results from a G to A substitution at nucleotide position 1802, causing the arginine (R) at amino acid position 601 to be replaced by a glutamine (Q). Based on the available evidence, the PEX6 c.1802G>A (p.R601Q) variant is classified as pathogenic; however, it is hypomorphic and only causes disease when occurring in trans with a more severe loss of function variant. Based on data from gnomAD, the A allele has an overall frequency of 0.296% (821/277712) total alleles studied, including 7 homozygotes. The highest observed frequency was 0.469% (594/126734) of European (non-Finnish) alleles. Based on data from gnomAD, the frequency for this variant is above the maximum credible frequency for a disease-causing variant in this gene based on internally established thresholds (Karczewski, 2020; Whiffin, 2017). This variant has been identified in conjunction with other PEX6 variant(s) in individual(s) with features consistent with the atypical/intermediate form of peroxisome biogenesis disorder and segregated with disease in at least one family; in at least one instance, the variants were identified in trans (Smith, 2016; Tran, 2014; Ratbi, 2015; Lee, 2022; Ferdinandusse, 2016; Ebberink, 2011; Yik, 2009; Benkirane, 2021; Reurink, 2023; Mechaussier, 2019; Wangtiraumnuay, 2018; Kulyamzin, 2025). This amino acid position is highly conserved in available vertebrate species. In an assay testing PEX6 function, this variant showed a functionally abnormal result (Ratbi, 2015). This alteration is predicted to be deleterious by in silico analysis. Based on the available evidence, this alteration is classified as pathogenic.

Mayo Clinic Laboratories, Mayo Clinic
Classification: Likely pathogenic. Last evaluated: 2025-05-22. Review status: criteria provided, single submitter. Criteria: ACMG Guidelines, 2015. Collection method: clinical testing. Allele origin: germline. Observed: 4 variant alleles.
Comment: PP3_moderate, PP4, PM3, PS4

First Genomix Gene Laboratory, Genetic Diagnostics Department
Classification: Likely pathogenic for Heimler syndrome 2; Peroxisome biogenesis disorder 4A (Zellweger); Peroxisome biogenesis disorder 4B. Last evaluated: 2025-04-09. Review status: criteria provided, single submitter. Criteria: ACMG Guidelines, 2015. Collection method: clinical testing. Allele origin: germline. Inheritance: Autosomal recessive inheritance. Affected: no. Observed: 1 variant allele.